The following is an entry in ClinVar:

ClinVar aggregate classification (germline): Uncertain significance. Review status: criteria provided, multiple submitters, no conflicts (2 of 4 stars). 2 submissions from 2 submitters: Uncertain significance (2). Last evaluated 2025-12-01.

Conditions:
Inborn genetic diseases. Identifiers: MedGen C0950123, MeSH D030342.
X-linked lymphoproliferative disease due to XIAP deficiency. Also called: XIAP-Related Lymphoproliferative Disease, X-Linked; XIAP DEFICIENCY. Identifiers: Orphanet 2442, Orphanet 538934, MedGen C1845076, MONDO:0010385, OMIM 300635.

gnomAD v4.1: 10 of 1,211,797 alleles (0.00083%); highest among the groups gnomAD compares: East Asian, 0.003%; no homozygotes.

Submissions (2):

Labcorp Genetics (formerly Invitae), Labcorp
Classification: Uncertain significance for X-linked lymphoproliferative disease due to XIAP deficiency. Last evaluated: 2025-12-01. Review status: criteria provided, single submitter. Criteria: Invitae Variant Classification Sherloc (09022015). Collection method: clinical testing. Allele origin: germline.
Comment: This sequence change replaces arginine, which is basic and polar, with glutamine, which is neutral and polar, at codon 238 of the XIAP protein (p.Arg238Gln). This variant is not present in population databases (gnomAD no frequency). This variant has not been reported in the literature in individuals affected with XIAP-related conditions. ClinVar contains an entry for this variant (Variation ID: 1040204). An algorithm developed to predict the effect of missense changes on protein structure and function outputs the following: PolyPhen-2: "Benign". The glutamine amino acid residue is found in multiple mammalian species, which suggests that this missense change does not adversely affect protein function. In summary, the available evidence is currently insufficient to determine the role of this variant in disease. Therefore, it has been classified as a Variant of Uncertain Significance.

Ambry Genetics
Classification: Uncertain significance for Inborn genetic diseases. Last evaluated: 2025-07-08. Review status: criteria provided, single submitter. Criteria: Ambry Variant Classification Scheme 2023. Collection method: clinical testing. Allele origin: germline.

NM_001167.4(XIAP):c.713G>A (p.Arg238Gln)

Gene: XIAP (X-linked inhibitor of apoptosis; plus strand). Cytogenetic location: Xq25.
Variant type: single nucleotide variant.
Coding change: c.713G>A on transcript NM_001167.4 (MANE Select); coding-DNA position 713, G replaced by A.
Protein change: p.Arg238Gln; replaces arginine 238 with glutamine.
Molecular consequence: missense variant.
Genome position (GRCh38, 1-based): chrX:123,886,375, G>A. VCF-style: chrX-123886375-G-A. GRCh37 (hg19) VCF-style: chrX-123020225-G-A.
Other names: c.713G>A, p.Arg238Gln (NM_001204401.2, NM_001378590.1, NM_001378591.1 and 1 more transcripts); c.713G>A (NM_001167.3); short protein forms R238Q.
Identifiers: ClinVar variation 1040204 (VCV001040204.8), dbSNP rs1226148384, ClinGen allele CA414124298.